The following is an entry in ClinVar:

NM_001384317.1(ZHX3):c.1655T>C (p.Leu552Ser)

Gene: ZHX3 (zinc fingers and homeoboxes 3; minus strand). Cytogenetic location: 20q12.
Variant type: single nucleotide variant.
Coding change: c.1655T>C on transcript NM_001384317.1 (MANE Select); coding-DNA position 1655, T replaced by C.
Protein change: p.Leu552Ser; replaces leucine 552 with serine.
Molecular consequence: missense variant.
Genome position (GRCh38, 1-based): chr20:41,203,262, A>G on the plus strand (T>C on the coding strand, the complement: ZHX3 is on the minus strand). VCF-style: chr20-41203262-A-G. GRCh37 (hg19) VCF-style: chr20-39831902-A-G.
Other names: c.1655T>C, p.Leu552Ser (NM_001384315.1, NM_001384316.1, NM_001384318.1 and 8 more transcripts); short protein forms L552S.
Identifiers: ClinVar variation 3632601 (VCV003632601.2).

ClinVar aggregate classification (germline): Uncertain significance (1 of 4 stars; one submission).

gnomAD v4.1: 44 of 1,614,018 alleles (0.0027%); highest among the groups gnomAD compares: African/African-American, 0.051%; no homozygotes.

Submission:

Labcorp Genetics (formerly Invitae), Labcorp
Classification: Uncertain significance. Last evaluated: 2025-06-12. Review status: criteria provided, single submitter. Criteria: Invitae Variant Classification Sherloc (09022015). Collection method: clinical testing. Allele origin: germline.
Comment: This sequence change replaces leucine, which is neutral and non-polar, with serine, which is neutral and polar, at codon 552 of the ZHX3 protein (p.Leu552Ser). This variant is present in population databases (rs148389381, gnomAD 0.07%), and has an allele count higher than expected for a pathogenic variant. This variant has not been reported in the literature in individuals affected with ZHX3-related conditions. ClinVar contains an entry for this variant (Variation ID: 3632601). An algorithm developed to predict the effect of missense changes on protein structure and function (PolyPhen-2) suggests that this variant is likely to be disruptive. In summary, the available evidence is currently insufficient to determine the role of this variant in disease. Therefore, it has been classified as a Variant of Uncertain Significance.